The following is an entry in ClinVar:

NM_144997.7(FLCN):c.345C>G (p.Pro115=)

Gene: FLCN (folliculin; minus strand). Cytogenetic location: 17p11.2.
Variant type: single nucleotide variant.
Coding change: c.345C>G on transcript NM_144997.7 (MANE Select); coding-DNA position 345, C replaced by G.
Protein change: p.Pro115=; no amino-acid change (proline 115 retained).
Molecular consequence: synonymous variant.
Genome position (GRCh38, 1-based): chr17:17,226,227, G>C on the plus strand (C>G on the coding strand, the complement: FLCN is on the minus strand). VCF-style: chr17-17226227-G-C. GRCh37 (hg19) VCF-style: chr17-17129541-G-C.
Other names: c.345C>G, p.Pro115= (NM_001353229.2, NM_001353230.2, NM_001353231.2 and 1 more transcripts).
Identifiers: ClinVar variation 1560433 (VCV001560433.11), dbSNP rs2145011249, ClinGen allele CA498167678.

ClinVar aggregate classification (germline): Benign/Likely benign. Review status: criteria provided, multiple submitters, no conflicts (2 of 4 stars). 3 submissions from 3 submitters: Benign (1); Likely benign (2). Last evaluated 2025-06-20.

Conditions:
Hereditary cancer-predisposing syndrome. Also called: Neoplastic Syndromes, Hereditary; Hereditary Cancer Syndrome; Hereditary neoplastic syndrome; Tumor predisposition. Identifiers: Orphanet 140162, MedGen C0027672, MeSH D009386, MONDO:0015356.
Birt-Hogg-Dube syndrome 1 (BHD1). Also called: FIBROFOLLICULOMAS WITH TRICHODISCOMAS AND ACROCHORDONS. Identifiers: Orphanet 122, MedGen CN375946, MONDO:0800445, OMIM 135150.
Birt-Hogg-Dube syndrome. Also called: Birt Hogg Dubé syndrome. Identifiers: Orphanet 122, MedGen C0346010, MONDO:0800444.

Allele frequency attached by ClinVar (database versions not stated): gnomAD exomes below 0.00001.
gnomAD v4.1: 1 of 1,614,140 alleles (0.000062%); highest among the groups gnomAD compares: South Asian, 0.0011%; no homozygotes.

Submissions (3):

Labcorp Genetics (formerly Invitae), Labcorp
Classification: Likely benign for Birt-Hogg-Dube syndrome. Last evaluated: 2025-06-20. Review status: criteria provided, single submitter. Criteria: Invitae Variant Classification Sherloc (09022015). Collection method: clinical testing. Allele origin: germline.

Myriad Genetics, Inc.
Classification: Benign for Birt-Hogg-Dube syndrome 1. Last evaluated: 2024-10-22. Review status: criteria provided, single submitter. Criteria: Myriad Autosomal Dominant, Autosomal Recessive and X-Linked Classification Criteria (2023). Collection method: clinical testing. Allele origin: unknown.
Comment: This variant is considered benign. This variant is a silent/synonymous amino acid change and it is not expected to impact splicing.

Ambry Genetics
Classification: Likely benign for Hereditary cancer-predisposing syndrome. Last evaluated: 2021-01-28. Review status: criteria provided, single submitter. Criteria: Ambry Variant Classification Scheme 2023. Collection method: clinical testing. Allele origin: germline.